The following is an entry in ClinVar:

ClinVar aggregate classification (germline): Conflicting classifications of pathogenicity. Review status: criteria provided, conflicting classifications (1 of 4 stars). 5 submissions from 5 submitters: Uncertain significance (4); Likely benign (1). Last evaluated 2025-09-25.

Conditions:
Cardiovascular phenotype. Identifiers: MedGen CN230736.
Catecholaminergic polymorphic ventricular tachycardia (CVPT). Also called: Catecholamine-induced polymorphic ventricular tachycardia. Identifiers: Orphanet 3286, MedGen C5574922, MONDO:0017990.
Cardiomyopathy (CMYO). Also called: Cardiomyopathies. Identifiers: Orphanet 167848, MedGen C0878544, MONDO:0004994, HP:0001638. Inheritance: Various modes of inheritance.
Catecholaminergic polymorphic ventricular tachycardia 1. Also called: VENTRICULAR TACHYCARDIA, CATECHOLAMINERGIC POLYMORPHIC, 1, WITH OR WITHOUT ATRIAL DYSFUNCTION AND/OR DILATED CARDIOMYOPATHY; RYR2-Related Catecholaminergic Polymorphic Ventricular Tachycardia; VENTRICULAR TACHYCARDIA, STRESS-INDUCED POLYMORPHIC 1. Identifiers: Orphanet 3286, MedGen C1631597, MONDO:0011484, OMIM 604772.

Allele frequency attached by ClinVar (database versions not stated): gnomAD 0.00001; gnomAD exomes 0.00001; TOPMed 0.00001.
gnomAD v4.1: 9 of 1,613,108 alleles (0.00056%); highest among the groups gnomAD compares: African/African-American, 0.004%; no homozygotes.

Submissions (5):

Ambry Genetics
Classification: Uncertain significance for Cardiovascular phenotype. Last evaluated: 2025-09-25. Review status: criteria provided, single submitter. Criteria: Ambry Variant Classification Scheme 2023. Collection method: clinical testing. Allele origin: germline.
Comment: The p.M3273V variant (also known as c.9817A>G), located in coding exon 68 of the RYR2 gene, results from an A to G substitution at nucleotide position 9817. The methionine at codon 3273 is replaced by valine, an amino acid with highly similar properties. This amino acid position is well conserved in available vertebrate species. In addition, this alteration is predicted to be tolerated by in silico analysis. Since supporting evidence is limited at this time, the clinical significance of this alteration remains unclear.

GeneDx
Classification: Uncertain significance. Last evaluated: 2025-04-21. Review status: criteria provided, single submitter. Criteria: GeneDx Variant Classification Process June 2021. Collection method: clinical testing. Allele origin: germline. Affected: yes.
Comment: Not observed at significant frequency in large population cohorts (gnomAD); In silico analysis indicates that this missense variant does not alter protein structure/function; Has not been previously published as pathogenic or benign to our knowledge; Not located in one of the three hot-spot regions of the RYR2 gene, where the majority of pathogenic missense variants occur (PMID: 19926015); This variant is associated with the following publications: (PMID: 19926015)

Labcorp Genetics (formerly Invitae), Labcorp
Classification: Likely benign for Catecholaminergic polymorphic ventricular tachycardia 1. Last evaluated: 2025-01-22. Review status: criteria provided, single submitter. Criteria: Invitae Variant Classification Sherloc (09022015). Collection method: clinical testing. Allele origin: germline.

Color Diagnostics, LLC DBA Color Health
Classification: Uncertain significance for Cardiomyopathy. Last evaluated: 2024-03-06. Review status: criteria provided, single submitter. Criteria: ACMG Guidelines, 2015. Collection method: clinical testing. Allele origin: germline.
Comment: This missense variant replaces methionine with valine at codon 3273 of the RYR2 protein. Computational prediction suggests that this variant may not impact protein structure and function (internally defined REVEL score threshold <= 0.5, PMID: 27666373). To our knowledge, functional studies have not been reported for this variant. This variant has not been reported in individuals affected with RYR2-related disorders in the literature. This variant has been identified in 3/279504 chromosomes in the general population by the Genome Aggregation Database (gnomAD). The available evidence is insufficient to determine the role of this variant in disease conclusively. Therefore, this variant is classified as a Variant of Uncertain Significance.

All of Us Research Program, National Institutes of Health
Classification: Uncertain significance for Catecholaminergic polymorphic ventricular tachycardia. Last evaluated: 2023-11-02. Review status: criteria provided, single submitter. Criteria: ACMG Guidelines, 2015. Collection method: clinical testing. Allele origin: germline. Inheritance: Autosomal dominant inheritance. Observed: 1 variant allele, 1 heterozygote.
Comment: This missense variant replaces methionine with valine at codon 3273 of the RYR2 protein. Computational prediction suggests that this variant may not impact protein structure and function (internally defined REVEL score threshold <= 0.5, PMID: 27666373). To our knowledge, functional studies have not been reported for this variant. This variant has not been reported in individuals affected with RYR2-related disorders in the literature. This variant has been identified in 3/279504 chromosomes in the general population by the Genome Aggregation Database (gnomAD). The available evidence is insufficient to determine the role of this variant in disease conclusively. Therefore, this variant is classified as a Variant of Uncertain Significance.

This study involves interpretation of variants in research participants for the purpose of population health screening. Participant phenotype was not available at the time of variant classification. Additional details can be found in publication PMID: 35346344, PMCID: PMC8962531

NM_001035.3(RYR2):c.9817A>G (p.Met3273Val)

Gene: RYR2 (ryanodine receptor 2; plus strand). Cytogenetic location: 1q43.
Variant type: single nucleotide variant.
Coding change: c.9817A>G on transcript NM_001035.3 (MANE Select); coding-DNA position 9817, A replaced by G.
Protein change: p.Met3273Val; replaces methionine 3273 with valine.
Molecular consequence: missense variant.
Genome position (GRCh38, 1-based): chr1:237,707,185, A>G. VCF-style: chr1-237707185-A-G. GRCh37 (hg19) VCF-style: chr1-237870485-A-G.
Other names: short protein forms M3273V.
Identifiers: ClinVar variation 919317 (VCV000919317.21), dbSNP rs1365049763, ClinGen allele CA345409149.